The following is an entry in ClinVar:

ClinVar aggregate classification (germline): Benign (1 of 4 stars; one submission).

Allele frequency attached by ClinVar (database versions not stated): 1000 Genomes Project 30x 0.02795; TOPMed 0.02704; 1000 Genomes Project 0.02895.

Submission:

GeneDx
Classification: Benign. Last evaluated: 2018-06-14. Review status: criteria provided, single submitter. Criteria: GeneDx Variant Classification (06012015). Collection method: clinical testing. Allele origin: germline. Affected: yes.
Comment: This variant is considered likely benign or benign based on one or more of the following criteria: it is a conservative change, it occurs at a poorly conserved position in the protein, it is predicted to be benign by multiple in silico algorithms, and/or has population frequency not consistent with disease.

NM_002047.2(GARS1):c.-418T>A

Gene: GARS1 (glycyl-tRNA synthetase 1; plus strand). Cytogenetic location: 7p14.3.
Variant type: single nucleotide variant.
Coding change: c.-418T>A on transcript NM_002047.2; 418 bases upstream of the start codon, T replaced by A.
Genome position (GRCh38, 1-based): chr7:30,594,504, T>A. VCF-style: chr7-30594504-T-A. GRCh37 (hg19) VCF-style: chr7-30634120-T-A.
Identifiers: ClinVar variation 675532 (VCV000675532.3), dbSNP rs115725201, ClinGen allele CA156095514.